The following is an entry in ClinVar:

NM_001036.6(RYR3):c.4296C>T (p.Gly1432=)

Gene: RYR3 (ryanodine receptor 3; plus strand). Cytogenetic location: 15q14.
Variant type: single nucleotide variant.
Coding change: c.4296C>T on transcript NM_001036.6 (MANE Select); coding-DNA position 4296, C replaced by T.
Protein change: p.Gly1432=; no amino-acid change (glycine 1432 retained).
Molecular consequence: synonymous variant.
Genome position (GRCh38, 1-based): chr15:33,652,871, C>T. VCF-style: chr15-33652871-C-T. GRCh37 (hg19) VCF-style: chr15-33945072-C-T.
Other names: c.4296C>T, p.Gly1432= (NM_001243996.4).
Identifiers: ClinVar variation 380973 (VCV000380973.16), dbSNP rs61749016, ClinGen allele CA7458950.

ClinVar aggregate classification (germline): Benign/Likely benign. Review status: criteria provided, multiple submitters, no conflicts (2 of 4 stars). 5 submissions from 5 submitters: Benign (1); Likely benign (3). 1 of the submissions does not count toward it. Last evaluated 2024-10-03.

Conditions:
Epileptic encephalopathy. Identifiers: MedGen C0543888, HP:0200134.
RYR3-related disorder. Also called: RYR3-related condition.

Allele frequency attached by ClinVar (database versions not stated): 1000 Genomes Project 0.00080; gnomAD 0.00086 and 0.00089; TOPMed 0.00094; ESP Exome Variant Server 0.00098; 1000 Genomes Project 30x 0.00156.
gnomAD v4.1: 253 of 1,610,364 alleles (0.016%); highest among the groups gnomAD compares: African/African-American, 0.29%; 2 homozygotes.

Submissions (5):

Blueprint Genetics
Classification: Likely benign. Last evaluated: 2024-10-03. Review status: criteria provided, single submitter. Criteria: ACMG Guidelines, 2015. Collection method: clinical testing. Allele origin: germline.

Labcorp Genetics (formerly Invitae), Labcorp
Classification: Benign for Epileptic encephalopathy. Last evaluated: 2024-09-06. Review status: criteria provided, single submitter. Criteria: Invitae Variant Classification Sherloc (09022015). Collection method: clinical testing. Allele origin: germline.

GeneDx
Classification: Likely benign. Last evaluated: 2015-10-22. Review status: criteria provided, single submitter. Criteria: GeneDx Variant Classification (06012015). Collection method: clinical testing. Allele origin: germline. Affected: yes.
Comment: This variant is considered likely benign or benign based on one or more of the following criteria: it is a conservative change, it occurs at a poorly conserved position in the protein, it is predicted to be benign by multiple in silico algorithms, and/or has population frequency not consistent with disease.

Breakthrough Genomics
Classification: Likely benign. Review status: criteria provided, single submitter. Criteria: ACMG Guidelines, 2015. Collection method: not provided. Allele origin: germline. Inheritance: Unknown mechanism. Affected: yes.

PreventionGenetics, part of Exact Sciences
Classification: Likely benign for RYR3-related condition. Last evaluated: 2019-06-13. Review status: no assertion criteria provided. Collection method: clinical testing. Allele origin: germline. Not counted in ClinVar's aggregate classification.
Comment: This variant is classified as likely benign based on ACMG/AMP sequence variant interpretation guidelines (Richards et al. 2015 PMID: 25741868, with internal and published modifications).